The following is an entry in ClinVar:

NM_014363.6(SACS):c.12103A>G (p.Ile4035Val)

Gene: SACS (sacsin molecular chaperone; minus strand). Cytogenetic location: 13q12.12.
Variant type: single nucleotide variant.
Coding change: c.12103A>G on transcript NM_014363.6 (MANE Select); coding-DNA position 12103, A replaced by G.
Protein change: p.Ile4035Val; replaces isoleucine 4035 with valine.
Molecular consequence: missense variant.
Genome position (GRCh38, 1-based): chr13:23,331,773, T>C on the plus strand (A>G on the coding strand, the complement: SACS is on the minus strand). VCF-style: chr13-23331773-T-C. GRCh37 (hg19) VCF-style: chr13-23905912-T-C.
Other names: c.11662A>G, p.Ile3888Val (NM_001278055.2); c.12103A>G (NM_014363.5); short protein forms I3888V, I4035V.
Identifiers: ClinVar variation 2140556 (VCV002140556.5), dbSNP rs147634443, ClinGen allele CA6910181.

ClinVar aggregate classification (germline): Conflicting classifications of pathogenicity. Review status: criteria provided, conflicting classifications (1 of 4 stars). 2 submissions from 2 submitters: Uncertain significance (1); Likely benign (1). Last evaluated 2025-07-14.

Conditions:
Spastic paraplegia. Identifiers: MedGen C0037772, HP:0001258.
SACS-related disorder. Also called: SACS-related condition.

Allele frequency attached by ClinVar (database versions not stated): gnomAD 0.00001; TOPMed 0.00003; ExAC 0.00008; ESP Exome Variant Server 0.00031.
gnomAD v4.1: 68 of 1,613,864 alleles (0.0042%); highest among the groups gnomAD compares: Admixed American, 0.005%; no homozygotes.

Submissions (2):

Labcorp Genetics (formerly Invitae), Labcorp
Classification: Likely benign for Spastic paraplegia. Last evaluated: 2025-07-14. Review status: criteria provided, single submitter. Criteria: Invitae Variant Classification Sherloc (09022015). Collection method: clinical testing. Allele origin: germline.

PreventionGenetics, part of Exact Sciences
Classification: Uncertain significance for SACS-related condition. Last evaluated: 2025-03-10. Review status: criteria provided, single submitter. Criteria: ACMG Guidelines, 2015. Collection method: clinical testing. Allele origin: germline.
Comment: The SACS c.12103A>G variant is predicted to result in the amino acid substitution p.Ile4035Val. To our knowledge, this variant has not been reported in the literature. This variant is reported in 0.023% of alleles in individuals of European (Finnish) descent in gnomAD. Although we suspect that this variant may be benign, at this time, the clinical significance of this variant is uncertain due to the absence of conclusive functional and genetic evidence.